The following is an entry in ClinVar:

ClinVar aggregate classification (germline): Uncertain significance (1 of 4 stars; one submission).

Submission:

GeneDx
Classification: Uncertain significance. Last evaluated: 2024-07-23. Review status: criteria provided, single submitter. Criteria: GeneDx Variant Classification Process June 2021. Collection method: clinical testing. Allele origin: germline. Affected: yes.
Comment: Not observed at significant frequency in large population cohorts (gnomAD); In silico analysis indicates that this missense variant does not alter protein structure/function; Has not been previously published as pathogenic or benign to our knowledge

NM_000352.6(ABCC8):c.1612A>T (p.Ile538Phe)

Gene: ABCC8 (ATP binding cassette subfamily C member 8; minus strand). Cytogenetic location: 11p15.1.
Variant type: single nucleotide variant.
Coding change: c.1612A>T on transcript NM_000352.6 (MANE Select); coding-DNA position 1612, A replaced by T.
Protein change: p.Ile538Phe; replaces isoleucine 538 with phenylalanine.
Molecular consequence: missense variant. On other transcripts: non-coding transcript variant (1).
Genome position (GRCh38, 1-based): chr11:17,442,738, T>A on the plus strand (A>T on the coding strand, the complement: ABCC8 is on the minus strand). VCF-style: chr11-17442738-T-A. GRCh37 (hg19) VCF-style: chr11-17464285-T-A.
Other names: c.1612A>T, p.Ile538Phe (NM_001287174.3, NM_001351295.2); c.1609A>T, p.Ile537Phe (NM_001351296.2, NM_001351297.2); short protein forms I537F, I538F.
Identifiers: ClinVar variation 3600950 (VCV003600950.1).
Genomic context (GRCh38, chr11:17,442,738, plus strand): 5'-TACGCAGCAGCACCCAGGGCTGGCTGTGTGGGGTGAACTCACTGGAGATGGAGGTATAGA[T>A]GGCAAAGGCCCTGAGGCTGGTCATCTCCTTCCTGCGGGTCGTCTCCACCCGCGTGCGGAA-3'
Protein context (NP_000343.2, residues 528-548): KEMTSLRAFA[Ile538Phe]YTSISIFMNT